The following is an entry in ClinVar:

NM_013432.5(TONSL):c.934G>T (p.Val312Phe)

Gene: TONSL (tonsoku like, DNA repair protein; minus strand). Cytogenetic location: 8q24.3.
Variant type: single nucleotide variant.
Coding change: c.934G>T on transcript NM_013432.5 (MANE Select); coding-DNA position 934, G replaced by T.
Protein change: p.Val312Phe; replaces valine 312 with phenylalanine.
Molecular consequence: missense variant.
Genome position (GRCh38, 1-based): chr8:144,441,043, C>A on the plus strand (G>T on the coding strand, the complement: TONSL is on the minus strand). VCF-style: chr8-144441043-C-A. GRCh37 (hg19) VCF-style: chr8-145666426-C-A.
Other names: short protein forms V312F.
Identifiers: ClinVar variation 2065008 (VCV002065008.1), dbSNP rs981121909, ClinGen allele CA187675245.

ClinVar aggregate classification (germline): Uncertain significance (1 of 4 stars; one submission).

gnomAD v4.1: 1 of 1,613,054 alleles (0.000062%); no homozygotes.

Submission:

Labcorp Genetics (formerly Invitae), Labcorp
Classification: Uncertain significance. Last evaluated: 2022-07-29. Review status: criteria provided, single submitter. Criteria: Invitae Variant Classification Sherloc (09022015). Collection method: clinical testing. Allele origin: germline.
Comment: This sequence change replaces valine, which is neutral and non-polar, with phenylalanine, which is neutral and non-polar, at codon 312 of the TONSL protein (p.Val312Phe). This variant is not present in population databases (gnomAD no frequency). This variant has not been reported in the literature in individuals affected with TONSL-related conditions. Algorithms developed to predict the effect of missense changes on protein structure and function (SIFT, PolyPhen-2, Align-GVGD) all suggest that this variant is likely to be tolerated. In summary, the available evidence is currently insufficient to determine the role of this variant in disease. Therefore, it has been classified as a Variant of Uncertain Significance.